The following is an entry in ClinVar:

ClinVar aggregate classification (germline): Uncertain significance (1 of 4 stars; one submission).

Conditions:
ATRX-related disorder. Also called: ATRX-related condition.

Submission:

PreventionGenetics, part of Exact Sciences
Classification: Uncertain significance for ATRX-related condition. Last evaluated: 2026-08-10. Review status: criteria provided, single submitter. Criteria: ACMG Guidelines, 2015. Collection method: clinical testing. Allele origin: germline.
Comment: The ATRX c.6046C>T variant is predicted to result in the amino acid substitution p.His2016Tyr. To our knowledge, this variant has not been reported in the literature or in a large population database (gnomAD), indicating this variant is rare. At this time, the clinical significance of this variant is uncertain due to the absence of conclusive functional and genetic evidence.

NM_000489.6(ATRX):c.6046C>T (p.His2016Tyr)

Gene: ATRX (ATRX chromatin remodeler; minus strand). Cytogenetic location: Xq21.1.
Variant type: single nucleotide variant.
Coding change: c.6046C>T on transcript NM_000489.6 (MANE Select); coding-DNA position 6046, C replaced by T.
Protein change: p.His2016Tyr; replaces histidine 2016 with tyrosine.
Molecular consequence: missense variant.
Genome position (GRCh38, 1-based): chrX:77,593,760, G>A on the plus strand (C>T on the coding strand, the complement: ATRX is on the minus strand). VCF-style: chrX-77593760-G-A. GRCh37 (hg19) VCF-style: chrX-76849230-G-A.
Other names: c.5932C>T, p.His1978Tyr (NM_138270.5); short protein forms H1978Y, H2016Y.
Identifiers: ClinVar variation 4993567 (VCV004993567.1).